The following is an entry in ClinVar:

ClinVar aggregate classification (germline): Uncertain significance (1 of 4 stars; one submission).

Allele frequency attached by ClinVar (database versions not stated): gnomAD 0.00001; TOPMed 0.00001.

Submission:

Labcorp Genetics (formerly Invitae), Labcorp
Classification: Uncertain significance. Last evaluated: 2022-10-07. Review status: criteria provided, single submitter. Criteria: Invitae Variant Classification Sherloc (09022015). Collection method: clinical testing. Allele origin: germline.
Comment: Algorithms developed to predict the effect of missense changes on protein structure and function (SIFT, PolyPhen-2, Align-GVGD) all suggest that this variant is likely to be disruptive. In summary, the available evidence is currently insufficient to determine the role of this variant in disease. Therefore, it has been classified as a Variant of Uncertain Significance. ClinVar contains an entry for this variant (Variation ID: 1496769). This variant has not been reported in the literature in individuals affected with ZNF408-related conditions. This variant is not present in population databases (gnomAD no frequency). This sequence change replaces cysteine, which is neutral and slightly polar, with serine, which is neutral and polar, at codon 529 of the ZNF408 protein (p.Cys529Ser).

NM_024741.3(ZNF408):c.1586G>C (p.Cys529Ser)

Gene: ZNF408 (zinc finger protein 408; plus strand). Cytogenetic location: 11p11.2.
Variant type: single nucleotide variant.
Coding change: c.1586G>C on transcript NM_024741.3 (MANE Select); coding-DNA position 1586, G replaced by C.
Protein change: p.Cys529Ser; replaces cysteine 529 with serine.
Molecular consequence: missense variant.
Genome position (GRCh38, 1-based): chr11:46,705,286, G>C. VCF-style: chr11-46705286-G-C. GRCh37 (hg19) VCF-style: chr11-46726836-G-C.
Other names: c.1562G>C, p.Cys521Ser (NM_001184751.2); short protein forms C529S, C521S.
Identifiers: ClinVar variation 1496769 (VCV001496769.8), dbSNP rs979811125, ClinGen allele CA221634053.